The following is an entry in ClinVar:

ClinVar aggregate classification (germline): Uncertain significance (1 of 4 stars; one submission).

Conditions:
Bardet-Biedl syndrome (BBS). Identifiers: Orphanet 110, MedGen C0752166, MONDO:0015229.

Submission:

Labcorp Genetics (formerly Invitae), Labcorp
Classification: Uncertain significance for Bardet-Biedl syndrome. Last evaluated: 2022-10-18. Review status: criteria provided, single submitter. Criteria: Invitae Variant Classification Sherloc (09022015). Collection method: clinical testing. Allele origin: germline.
Comment: This sequence change replaces glycine, which is neutral and non-polar, with alanine, which is neutral and non-polar, at codon 116 of the BBS5 protein (p.Gly116Ala). This variant is not present in population databases (gnomAD no frequency). This variant has not been reported in the literature in individuals affected with BBS5-related conditions. ClinVar contains an entry for this variant (Variation ID: 1400357). Advanced modeling of protein sequence and biophysical properties (such as structural, functional, and spatial information, amino acid conservation, physicochemical variation, residue mobility, and thermodynamic stability) performed at Invitae indicates that this missense variant is not expected to disrupt BBS5 protein function. In summary, the available evidence is currently insufficient to determine the role of this variant in disease. Therefore, it has been classified as a Variant of Uncertain Significance.

NM_152384.3(BBS5):c.347G>C (p.Gly116Ala)

Gene: BBS5 (Bardet-Biedl syndrome 5; plus strand). Cytogenetic location: 2q31.1.
Variant type: single nucleotide variant.
Coding change: c.347G>C on transcript NM_152384.3 (MANE Select); coding-DNA position 347, G replaced by C.
Protein change: p.Gly116Ala; replaces glycine 116 with alanine.
Molecular consequence: missense variant.
Genome position (GRCh38, 1-based): chr2:169,488,075, G>C. VCF-style: chr2-169488075-G-C. GRCh37 (hg19) VCF-style: chr2-170344585-G-C.
Other names: short protein forms G116A.
Identifiers: ClinVar variation 1400357 (VCV001400357.6), dbSNP rs1683516352, ClinGen allele CA349162860.